The following is an entry in ClinVar:

ClinVar aggregate classification (germline): Likely benign (1 of 4 stars; one submission).

Allele frequency attached by ClinVar (database versions not stated): 1000 Genomes Project 0.00319; gnomAD 0.00334 and 0.00361; 1000 Genomes Project 30x 0.00344; TOPMed 0.00352.
gnomAD v4.1: 503 of 152,340 alleles (0.33%); highest among the groups gnomAD compares: African/African-American, 1.2%; 4 homozygotes.

Submission:

GeneDx
Classification: Likely benign. Last evaluated: 2018-06-14. Review status: criteria provided, single submitter. Criteria: GeneDx Variant Classification (06012015). Collection method: clinical testing. Allele origin: germline. Affected: yes.
Comment: This variant is considered likely benign or benign based on one or more of the following criteria: it is a conservative change, it occurs at a poorly conserved position in the protein, it is predicted to be benign by multiple in silico algorithms, and/or has population frequency not consistent with disease.

NM_004415.4(DSP):c.726+234T>C

Gene: DSP (desmoplakin; plus strand). Cytogenetic location: 6p24.3.
Variant type: single nucleotide variant.
Coding change: c.726+234T>C on transcript NM_004415.4 (MANE Select); 234 bases into the intron after coding-DNA position 726, T replaced by C.
Molecular consequence: intron variant.
Genome position (GRCh38, 1-based): chr6:7,563,014, T>C. VCF-style: chr6-7563014-T-C. GRCh37 (hg19) VCF-style: chr6-7563247-T-C.
Other names: c.726+234T>C (NM_001319034.2, NM_001008844.3).
Identifiers: ClinVar variation 679816 (VCV000679816.1), dbSNP rs192476179, ClinGen allele CA133953484.